The following is an entry in ClinVar:

NM_001232.4(CASQ2):c.946G>A (p.Ala316Thr)

Gene: CASQ2 (calsequestrin 2; minus strand). Cytogenetic location: 1p13.1.
Variant type: single nucleotide variant.
Coding change: c.946G>A on transcript NM_001232.4 (MANE Select); coding-DNA position 946, G replaced by A.
Protein change: p.Ala316Thr; replaces alanine 316 with threonine.
Molecular consequence: missense variant.
Genome position (GRCh38, 1-based): chr1:115,702,989, C>T on the plus strand (G>A on the coding strand, the complement: CASQ2 is on the minus strand). VCF-style: chr1-115702989-C-T. GRCh37 (hg19) VCF-style: chr1-116245610-C-T.
Other names: short protein forms A316T.
Identifiers: ClinVar variation 4219481 (VCV004219481.1).

ClinVar aggregate classification (germline): Uncertain significance (1 of 4 stars; one submission).

Conditions:
Cardiovascular phenotype. Identifiers: MedGen CN230736.

gnomAD v4.1: 2 of 1,612,608 alleles (0.00012%); highest among the groups gnomAD compares: Admixed American, 0.0017%; no homozygotes.

Submission:

Ambry Genetics
Classification: Uncertain significance for Cardiovascular phenotype. Last evaluated: 2025-06-23. Review status: criteria provided, single submitter. Criteria: Ambry Variant Classification Scheme 2023. Collection method: clinical testing. Allele origin: germline.
Comment: The p.A316T variant (also known as c.946G>A), located in coding exon 10 of the CASQ2 gene, results from a G to A substitution at nucleotide position 946. The alanine at codon 316 is replaced by threonine, an amino acid with similar properties. This amino acid position is conserved. In addition, this alteration is predicted to be tolerated by in silico analysis. Based on the available evidence, the clinical significance of this variant remains unclear.